The following is an entry in ClinVar:

NM_001365308.1(BMPER):c.-25C>A

Gene: BMPER (BMP binding endothelial regulator; plus strand). Cytogenetic location: 7p14.3.
Variant type: single nucleotide variant.
Coding change: c.-25C>A on transcript NM_001365308.1 (MANE Select); 25 bases upstream of the start codon, C replaced by A.
Molecular consequence: 5 prime UTR variant.
Genome position (GRCh38, 1-based): chr7:33,905,589, C>A. VCF-style: chr7-33905589-C-A. GRCh37 (hg19) VCF-style: chr7-33945201-C-A.
Other names: c.-25C>A (NM_133468.5).
Identifiers: ClinVar variation 360095 (VCV000360095.5), dbSNP rs75295552, ClinGen allele CA4214856.

ClinVar aggregate classification (germline): Benign (1 of 4 stars; one submission).

Conditions:
Diaphanospondylodysostosis. Also called: VERTEBRAL OSSIFICATION, DEFECT IN, WITH NEPHROGENIC RESTS. Identifiers: Orphanet 66637, MedGen C1842691, MONDO:0011946, OMIM 608022.

Allele frequency attached by ClinVar (database versions not stated): gnomAD 0.00941 and 0.01000; TOPMed 0.01071; 1000 Genomes Project 0.01178; ESP Exome Variant Server 0.01207; 1000 Genomes Project 30x 0.01280.
gnomAD v4.1: 2,750 of 1,609,696 alleles (0.17%); highest among the groups gnomAD compares: African/African-American, 3.3%; 39 homozygotes.

Submission:

Illumina Laboratory Services, Illumina
Classification: Benign for Diaphanospondylodysostosis. Last evaluated: 2018-01-13. Review status: criteria provided, single submitter. Criteria: ICSL Variant Classification Criteria 13 December 2019. Collection method: clinical testing. Allele origin: germline.
Comment: This variant was observed in the ICSL laboratory as part of a predisposition screen in an ostensibly healthy population. It had not been previously curated by ICSL or reported in the Human Gene Mutation Database (HGMD: prior to June 1st, 2018), and was therefore a candidate for classification through an automated scoring system. Utilizing variant allele frequency, disease prevalence and penetrance estimates, and inheritance mode, an automated score was calculated to assess if this variant is too frequent to cause the disease. Based on the score and internal cut-off values, a variant classified as benign is not then subjected to further curation. The score for this variant resulted in a classification of benign for this disease.